The following is an entry in ClinVar:

NM_001130009.3(GEN1):c.490C>T (p.Gln164Ter)

Gene: GEN1 (GEN1 structure-specific endonuclease; plus strand). Cytogenetic location: 2p24.2.
Variant type: single nucleotide variant.
Coding change: c.490C>T on transcript NM_001130009.3 (MANE Select); coding-DNA position 490, C replaced by T.
Protein change: p.Gln164Ter; replaces glutamine 164 with a stop codon.
Molecular consequence: nonsense.
Genome position (GRCh38, 1-based): chr2:17,765,038, C>T. VCF-style: chr2-17765038-C-T. GRCh37 (hg19) VCF-style: chr2-17946305-C-T.
Other names: c.490C>T, p.Gln164Ter (NM_182625.5); short protein forms Q164*.
Identifiers: ClinVar variation 836653 (VCV000836653.7), dbSNP rs368564254, ClinGen allele CA1540435.
Genomic context (GRCh38, chr2:17,765,038, plus strand): 5'-GCTGGTGGTCATGTCGATGGCTGCCTCACCAATGATGGAGATACTTTCCTTTATGGGGCC[C>T]AGACTGTTTACAGGAATTTCACTATGAATACAAAGGTGTTTATTTTCTTTCTCTTTTTCA-3'

ClinVar aggregate classification (germline): Uncertain significance (1 of 4 stars; one submission).

Allele frequency attached by ClinVar (database versions not stated): gnomAD 0.00002 and 0.00003; TOPMed 0.00003; ESP Exome Variant Server 0.00008.
gnomAD v4.1: 50 of 1,613,990 alleles (0.0031%); highest among the groups gnomAD compares: African/African-American, 0.004%; no homozygotes.

Submission:

Labcorp Genetics (formerly Invitae), Labcorp
Classification: Uncertain significance. Last evaluated: 2025-06-03. Review status: criteria provided, single submitter. Criteria: Invitae Variant Classification Sherloc (09022015). Collection method: clinical testing. Allele origin: germline.
Comment: This sequence change creates a premature translational stop signal (p.Gln164*) in the GEN1 gene. It is expected to result in an absent or disrupted protein product. However, the current clinical and genetic evidence is not sufficient to establish whether loss-of-function variants in GEN1 cause disease. This variant is present in population databases (rs368564254, gnomAD 0.004%). This variant has not been reported in the literature in individuals affected with GEN1-related conditions. ClinVar contains an entry for this variant (Variation ID: 836653). In summary, the available evidence is currently insufficient to determine the role of this variant in disease. Therefore, it has been classified as a Variant of Uncertain Significance.